The following is an entry in ClinVar:

NM_182919.4(TICAM1):c.343G>T (p.Asp115Tyr)

Gene: TICAM1 (TIR domain containing adaptor molecule 1; minus strand). Cytogenetic location: 19p13.3.
Variant type: single nucleotide variant.
Coding change: c.343G>T on transcript NM_182919.4 (MANE Select); coding-DNA position 343, G replaced by T.
Protein change: p.Asp115Tyr; replaces aspartic acid 115 with tyrosine.
Molecular consequence: missense variant. On other transcripts: intron variant (1).
Genome position (GRCh38, 1-based): chr19:4,818,035, C>A on the plus strand (G>T on the coding strand, the complement: TICAM1 is on the minus strand). VCF-style: chr19-4818035-C-A. GRCh37 (hg19) VCF-style: chr19-4818047-C-A.
Other names: c.301G>T, p.Asp101Tyr (NM_001385678.1); c.208G>T, p.Asp70Tyr (NM_001385679.1); c.-71-229G>T (NM_001385680.1); short protein forms D115Y, D101Y, D70Y.
Identifiers: ClinVar variation 1980730 (VCV001980730.3), dbSNP rs200773818, ClinGen allele CA9105379.

ClinVar aggregate classification (germline): Uncertain significance (1 of 4 stars; one submission).

Conditions:
Encephalopathy, acute, infection-induced (herpes-specific), susceptibility to, 6. Also called: Herpes simplex encephalitis, susceptibility to, 4. Identifiers: Orphanet 1930, MedGen C3553869, MONDO:0013921, OMIM 614850.

Allele frequency attached by ClinVar (database versions not stated): ExAC 0.00002; gnomAD 0.00002.

Submission:

Labcorp Genetics (formerly Invitae), Labcorp
Classification: Uncertain significance for Encephalopathy, acute, infection-induced (herpes-specific), susceptibility to, 6. Last evaluated: 2023-12-06. Review status: criteria provided, single submitter. Criteria: Invitae Variant Classification Sherloc (09022015). Collection method: clinical testing. Allele origin: germline.
Comment: This sequence change replaces aspartic acid, which is acidic and polar, with tyrosine, which is neutral and polar, at codon 115 of the TICAM1 protein (p.Asp115Tyr). This variant is present in population databases (rs200773818, gnomAD 0.003%). This variant has not been reported in the literature in individuals affected with TICAM1-related conditions. ClinVar contains an entry for this variant (Variation ID: 1980730). An algorithm developed to predict the effect of missense changes on protein structure and function (PolyPhen-2) suggests that this variant is likely to be disruptive. In summary, the available evidence is currently insufficient to determine the role of this variant in disease. Therefore, it has been classified as a Variant of Uncertain Significance.